The following is an entry in ClinVar:

NM_172232.4(ABCA5):c.384T>C (p.Gly128=)

Gene: ABCA5 (ATP binding cassette subfamily A member 5; minus strand). Cytogenetic location: 17q24.3.
Variant type: single nucleotide variant.
Coding change: c.384T>C on transcript NM_172232.4 (MANE Select); coding-DNA position 384, T replaced by C.
Protein change: p.Gly128=; no amino-acid change (glycine 128 retained).
Molecular consequence: synonymous variant.
Genome position (GRCh38, 1-based): chr17:69,309,347, A>G on the plus strand (T>C on the coding strand, the complement: ABCA5 is on the minus strand). VCF-style: chr17-69309347-A-G. GRCh37 (hg19) VCF-style: chr17-67305488-A-G.
Other names: c.384T>C, p.Gly128= (NM_018672.5).
Identifiers: ClinVar variation 735108 (VCV000735108.7), dbSNP rs184289333, ClinGen allele CA8737913.

ClinVar aggregate classification (germline): Benign/Likely benign. Review status: criteria provided, multiple submitters, no conflicts (2 of 4 stars). 3 submissions from 3 submitters: Benign (1); Likely benign (1). 1 of the submissions does not count toward it. Last evaluated 2024-10-28.

Conditions:
ABCA5-related disorder. Also called: ABCA5-related condition.

Allele frequency attached by ClinVar (database versions not stated): gnomAD exomes 0.00034 and 0.00085; gnomAD 0.00040 and 0.00047; TOPMed 0.00048; ExAC 0.00098; 1000 Genomes Project 30x 0.00203; 1000 Genomes Project 0.00220.
gnomAD v4.1: 654 of 1,607,240 alleles (0.041%); highest among the groups gnomAD compares: East Asian, 1.2%; 9 homozygotes.

Submissions (3):

Blueprint Genetics
Classification: Likely benign. Last evaluated: 2024-10-28. Review status: criteria provided, single submitter. Criteria: ACMG Guidelines, 2015. Collection method: clinical testing. Allele origin: germline.

Labcorp Genetics (formerly Invitae), Labcorp
Classification: Benign. Last evaluated: 2019-12-31. Review status: criteria provided, single submitter. Criteria: Invitae Variant Classification Sherloc (09022015). Collection method: clinical testing. Allele origin: germline.

PreventionGenetics, part of Exact Sciences
Classification: Benign for ABCA5-related condition. Last evaluated: 2019-05-28. Review status: no assertion criteria provided. Collection method: clinical testing. Allele origin: germline. Not counted in ClinVar's aggregate classification.
Comment: This variant is classified as benign based on ACMG/AMP sequence variant interpretation guidelines (Richards et al. 2015 PMID: 25741868, with internal and published modifications).